The following is an entry in ClinVar:

NM_002103.5(GYS1):c.987C>T (p.Ala329=)

Gene: GYS1 (glycogen synthase 1; minus strand). Cytogenetic location: 19q13.33.
Variant type: single nucleotide variant.
Coding change: c.987C>T on transcript NM_002103.5 (MANE Select); coding-DNA position 987, C replaced by T.
Protein change: p.Ala329=; no amino-acid change (alanine 329 retained).
Molecular consequence: synonymous variant. On other transcripts: non-coding transcript variant (1).
Genome position (GRCh38, 1-based): chr19:48,982,330, G>A on the plus strand (C>T on the coding strand, the complement: GYS1 is on the minus strand). VCF-style: chr19-48982330-G-A. GRCh37 (hg19) VCF-style: chr19-49485587-G-A.
Other names: c.795C>T, p.Ala265= (NM_001161587.2).
Identifiers: ClinVar variation 746772 (VCV000746772.13), dbSNP rs180906371, ClinGen allele CA9563143.

ClinVar aggregate classification (germline): Benign. Review status: criteria provided, single submitter (1 of 4 stars). 2 submissions from 2 submitters: Benign (1). 1 of the submissions does not count toward it. Last evaluated 2026-01-13.

Conditions:
Glycogen storage disease due to muscle and heart glycogen synthase deficiency. Also called: GSD 0b; MUSCLE GLYCOGEN SYNTHASE DEFICIENCY. Identifiers: Orphanet 137625, MedGen C1969054, MONDO:0012693, OMIM 611556.
GYS1-related disorder. Also called: GYS1-related condition.

Allele frequency attached by ClinVar (database versions not stated): gnomAD exomes 0.00005 and 0.00021; ESP Exome Variant Server 0.00008; gnomAD 0.00008 and 0.00009; TOPMed 0.00019; ExAC 0.00021; 1000 Genomes Project 30x 0.00031; 1000 Genomes Project 0.00040.
gnomAD v4.1: 93 of 1,613,762 alleles (0.0058%); highest among the groups gnomAD compares: East Asian, 0.18%; 1 homozygote.

Submissions (2):

Labcorp Genetics (formerly Invitae), Labcorp
Classification: Benign for Glycogen storage disease due to muscle and heart glycogen synthase deficiency. Last evaluated: 2026-01-13. Review status: criteria provided, single submitter. Criteria: Invitae Variant Classification Sherloc (09022015). Collection method: clinical testing. Allele origin: germline.

PreventionGenetics, part of Exact Sciences
Classification: Likely benign for GYS1-related condition. Last evaluated: 2022-02-28. Review status: no assertion criteria provided. Collection method: clinical testing. Allele origin: germline. Not counted in ClinVar's aggregate classification.
Comment: This variant is classified as likely benign based on ACMG/AMP sequence variant interpretation guidelines (Richards et al. 2015 PMID: 25741868, with internal and published modifications).